The following is an entry in ClinVar:

NM_152564.5(VPS13B):c.11881C>G (p.Pro3961Ala)

Gene: VPS13B (vacuolar protein sorting 13 homolog B; plus strand). Cytogenetic location: 8q22.2.
Variant type: single nucleotide variant.
Coding change: c.11881C>G on transcript NM_152564.5 (MANE Select); coding-DNA position 11881, C replaced by G.
Protein change: p.Pro3961Ala; replaces proline 3961 with alanine.
Molecular consequence: missense variant.
Genome position (GRCh38, 1-based): chr8:99,875,553, C>G. VCF-style: chr8-99875553-C-G. GRCh37 (hg19) VCF-style: chr8-100887781-C-G.
Other names: c.11956C>G, p.Pro3986Ala (NM_017890.5); short protein forms P3961A, P3986A.
Identifiers: ClinVar variation 1518374 (VCV001518374.9), dbSNP rs762256695, ClinGen allele CA371795869.

ClinVar aggregate classification (germline): Uncertain significance. Review status: criteria provided, multiple submitters, no conflicts (2 of 4 stars). 2 submissions from 2 submitters: Uncertain significance (2). Last evaluated 2022-12-21.

Conditions:
Cohen syndrome (COH1). Also called: Cutis verticis gyrata, retinitis pigmentosa, and sensorineural deafness; PEPPER SYNDROME. Identifiers: Orphanet 193, MedGen C0265223, MONDO:0008999, OMIM 216550.

Allele frequency attached by ClinVar (database versions not stated): TOPMed below 0.00001.
gnomAD v4.1: 1 of 1,614,110 alleles (0.000062%); no homozygotes.

Submissions (2):

Labcorp Genetics (formerly Invitae), Labcorp
Classification: Uncertain significance for Cohen syndrome. Last evaluated: 2022-12-21. Review status: criteria provided, single submitter. Criteria: Invitae Variant Classification Sherloc (09022015). Collection method: clinical testing. Allele origin: germline.
Comment: Advanced modeling of protein sequence and biophysical properties (such as structural, functional, and spatial information, amino acid conservation, physicochemical variation, residue mobility, and thermodynamic stability) performed at Invitae indicates that this missense variant is not expected to disrupt VPS13B protein function. In summary, the available evidence is currently insufficient to determine the role of this variant in disease. Therefore, it has been classified as a Variant of Uncertain Significance. ClinVar contains an entry for this variant (Variation ID: 1518374). This variant has not been reported in the literature in individuals affected with VPS13B-related conditions. This variant is not present in population databases (gnomAD no frequency). This sequence change replaces proline, which is neutral and non-polar, with alanine, which is neutral and non-polar, at codon 3986 of the VPS13B protein (p.Pro3986Ala).

Blueprint Genetics
Classification: Uncertain significance. Last evaluated: 2022-02-07. Review status: criteria provided, single submitter. Criteria: ACMG Guidelines, 2015. Collection method: clinical testing. Allele origin: germline.